The following is an entry in ClinVar:

NM_001458.5(FLNC):c.1814G>A (p.Gly605Asp)

Gene: FLNC (filamin C; plus strand). Cytogenetic location: 7q32.1.
Variant type: single nucleotide variant.
Coding change: c.1814G>A on transcript NM_001458.5 (MANE Select); coding-DNA position 1814, G replaced by A.
Protein change: p.Gly605Asp; replaces glycine 605 with aspartic acid.
Molecular consequence: missense variant.
Genome position (GRCh38, 1-based): chr7:128,841,170, G>A. VCF-style: chr7-128841170-G-A. GRCh37 (hg19) VCF-style: chr7-128481224-G-A.
Other names: c.1814G>A, p.Gly605Asp (NM_001127487.2); short protein forms G605D.
Identifiers: ClinVar variation 4258285 (VCV004258285.1).

ClinVar aggregate classification (germline): Uncertain significance (1 of 4 stars; one submission).

Conditions:
Cardiovascular phenotype. Identifiers: MedGen CN230736.

Submission:

Ambry Genetics
Classification: Uncertain significance for Cardiovascular phenotype. Last evaluated: 2025-08-09. Review status: criteria provided, single submitter. Criteria: Ambry Variant Classification Scheme 2023. Collection method: clinical testing. Allele origin: germline.
Comment: The p.G605D variant (also known as c.1814G>A) is located in coding exon 12 of the FLNC gene. The glycine at codon 605 is replaced by aspartic acid, an amino acid with similar properties. This change occurs in the first base pair of coding exon 12. This amino acid position is conserved. In addition, this alteration is predicted to be deleterious by in silico analysis. Based on the available evidence, the clinical significance of this variant remains unclear.